The following is an entry in ClinVar:

ClinVar aggregate classification (germline): Likely pathogenic (1 of 4 stars; one submission).

Allele frequency attached by ClinVar (database versions not stated): gnomAD exomes below 0.00001; ExAC 0.00001.
gnomAD v4.1: 1 of 1,613,186 alleles (0.000062%); highest among the groups gnomAD compares: Non-Finnish European, 0.000085%; no homozygotes.

Submission:

Labcorp Genetics (formerly Invitae), Labcorp
Classification: Likely pathogenic. Last evaluated: 2023-10-02. Review status: criteria provided, single submitter. Criteria: Invitae Variant Classification Sherloc (09022015). Collection method: clinical testing. Allele origin: germline.
Comment: This sequence change affects an acceptor splice site in intron 13 of the SLC4A11 gene. It is expected to disrupt RNA splicing. Variants that disrupt the donor or acceptor splice site typically lead to a loss of protein function (PMID: 16199547), and loss-of-function variants in SLC4A11 are known to be pathogenic (PMID: 17220209, 17679935). This variant is present in population databases (rs775805131, gnomAD 0.0009%). This variant has not been reported in the literature in individuals affected with SLC4A11-related conditions. Algorithms developed to predict the effect of sequence changes on RNA splicing suggest that this variant may disrupt the consensus splice site. In summary, the currently available evidence indicates that the variant is pathogenic, but additional data are needed to prove that conclusively. Therefore, this variant has been classified as Likely Pathogenic.

Literature cited by the submitters: PubMed 16199547; PubMed 17220209; PubMed 17679935.

NM_001174089.2(SLC4A11):c.1743-1G>A

Gene: SLC4A11 (solute carrier family 4 member 11; minus strand). Cytogenetic location: 20p13.
Variant type: single nucleotide variant.
Coding change: c.1743-1G>A on transcript NM_001174089.2 (MANE Select); the canonical splice acceptor site of the intron before coding-DNA position 1743, G replaced by A.
Molecular consequence: splice acceptor variant.
Genome position (GRCh38, 1-based): chr20:3,229,453, C>T on the plus strand (G>A on the coding strand, the complement: SLC4A11 is on the minus strand). VCF-style: chr20-3229453-C-T. GRCh37 (hg19) VCF-style: chr20-3210099-C-T.
Other names: c.1686-1G>A (NM_001400277.1, NM_001400278.1, NM_001400279.1); c.1629-1G>A (NM_001363745.2); c.1758-1G>A (NM_001400280.1); c.1872-1G>A (NM_001174090.2); c.1791-1G>A (NM_032034.4).
Identifiers: ClinVar variation 2764806 (VCV002764806.3), dbSNP rs775805131, ClinGen allele CA9741737.
Genomic context (GRCh38, chr20:3,229,453, plus strand): 5'-ACCGCGATGGGCAGGGCGCAGTCGGACAGGATCTCTCGCACGCAGGGGTGCAGGTAGGGG[C>T]TGGGGACAGCAGGTGCATGAGCACAGCCTTTGACCCATGCGGCCCCTCCCCTCCCCATGC-3'